The following is an entry in ClinVar:

NM_000209.4(PDX1):c.784C>A (p.Pro262Thr)

Gene: PDX1 (pancreatic and duodenal homeobox 1; plus strand). Cytogenetic location: 13q12.2.
Variant type: single nucleotide variant.
Coding change: c.784C>A on transcript NM_000209.4 (MANE Select); coding-DNA position 784, C replaced by A.
Protein change: p.Pro262Thr; replaces proline 262 with threonine.
Molecular consequence: missense variant.
Genome position (GRCh38, 1-based): chr13:27,924,633, C>A. VCF-style: chr13-27924633-C-A. GRCh37 (hg19) VCF-style: chr13-28498770-C-A.
Other names: short protein forms P262T.
Identifiers: ClinVar variation 4075712 (VCV004075712.1).

ClinVar aggregate classification (germline): Uncertain significance (1 of 4 stars; one submission).

Submission:

GeneDx
Classification: Uncertain significance. Last evaluated: 2025-02-16. Review status: criteria provided, single submitter. Criteria: GeneDx Variant Classification Process June 2021. Collection method: clinical testing. Allele origin: germline. Affected: yes.
Comment: Not observed at significant frequency in large population cohorts (gnomAD); In silico analysis indicates that this missense variant does not alter protein structure/function; Has not been previously published as pathogenic or benign to our knowledge